The following is an entry in ClinVar:

NM_006648.4(WNK2):c.1598G>A (p.Arg533His)

Gene: WNK2 (WNK lysine deficient protein kinase 2; plus strand). Cytogenetic location: 9q22.31.
Variant type: single nucleotide variant.
Coding change: c.1598G>A on transcript NM_006648.4 (MANE Select); coding-DNA position 1598, G replaced by A.
Protein change: p.Arg533His; replaces arginine 533 with histidine.
Molecular consequence: missense variant.
Genome position (GRCh38, 1-based): chr9:93,247,598, G>A. VCF-style: chr9-93247598-G-A. GRCh37 (hg19) VCF-style: chr9-96009880-G-A.
Other names: c.1598G>A, p.Arg533His (NM_001282394.3); short protein forms R533H.
Identifiers: ClinVar variation 3470591 (VCV003470591.1).

ClinVar aggregate classification (germline): Uncertain significance (1 of 4 stars; one submission).

Submission:

Ambry Genetics
Classification: Uncertain significance. Last evaluated: 2024-12-05. Review status: criteria provided, single submitter. Criteria: Ambry Variant Classification Scheme 2023. Collection method: clinical testing. Allele origin: germline.
Comment: The p.R533H variant (also known as c.1598G>A), located in coding exon 7 of the WNK2 gene, results from a G to A substitution at nucleotide position 1598. The arginine at codon 533 is replaced by histidine, an amino acid with highly similar properties. This amino acid position is conserved. In addition, the in silico prediction for this alteration is inconclusive. Based on the available evidence, the clinical significance of this variant remains unclear.